The following is an entry in ClinVar:

ClinVar aggregate classification (germline): Pathogenic/Likely pathogenic. Review status: criteria provided, multiple submitters, no conflicts (2 of 4 stars). 2 submissions from 2 submitters: Pathogenic (1); Likely pathogenic (1). Last evaluated 2024-01-08.

Conditions:
Autosomal recessive congenital ichthyosis 1 (LI1). Also called: COLLODION FETUS; DESQUAMATION OF NEWBORN; ICHTHYOSIS CONGENITA; ICHTHYOSIS CONGENITA II; LAMELLAR EXFOLIATION OF NEWBORN; ICHTHYOSIS, CONGENITAL, AUTOSOMAL RECESSIVE 1, WITH BATHING SUIT DISTRIBUTION. Identifiers: MedGen C4551630, MONDO:0009441, OMIM 242300.

Submissions (2):

Fulgent Genetics
Classification: Pathogenic for Autosomal recessive congenital ichthyosis 1. Last evaluated: 2024-01-08. Review status: criteria provided, single submitter. Criteria: ACMG Guidelines, 2015. Collection method: clinical testing. Allele origin: germline.

GeneDx
Classification: Likely pathogenic. Last evaluated: 2021-09-14. Review status: criteria provided, single submitter. Criteria: GeneDx Variant Classification Process June 2021. Collection method: clinical testing. Allele origin: germline. Affected: yes.
Comment: In-frame deletion of 3 amino acids and insertion of 2 amino acids in a non-repeat region; Not observed at significant frequency in large population cohorts (Lek et al., 2016); In silico analysis supports a deleterious effect on protein structure/function; This variant is associated with the following publications: (PMID: 28403434)

NM_000359.3(TGM1):c.1407_1416delinsGCTCTGT (p.Ile469_Cys471delinsMetLeu)

Gene: TGM1 (transglutaminase 1; minus strand). Cytogenetic location: 14q12.
Variant type: Indel.
Coding change: c.1407_1416delinsGCTCTGT on transcript NM_000359.3 (MANE Select); coding-DNA positions 1407 to 1416, CTTCTGCTGC replaced by GCTCTGT.
Protein change: p.Ile469_Cys471delinsMetLeu.
Molecular consequence: inframe indel.
Genome position (GRCh38, 1-based): chr14:24,256,064-24,256,073, GCAGCAGAAG replaced by ACAGAGC on the plus strand (CTTCTGCTGC replaced by GCTCTGT on the coding strand, the reverse complement: TGM1 is on the minus strand). VCF-style: chr14-24256064-GCAGCAGAAG-ACAGAGC. GRCh37 (hg19) VCF-style: chr14-24725270-GCAGCAGAAG-ACAGAGC.
Other names: c.1407_1416delCTTCTGCTGCinsGCTCTGT (NM_000359.2).
Identifiers: ClinVar variation 420340 (VCV000420340.4), dbSNP rs1064794422, ClinGen allele CA16619856.